The following is an entry in ClinVar:

NM_198253.3(TERT):c.2205C>A (p.Pro735=)

Gene: TERT (telomerase reverse transcriptase; minus strand). Cytogenetic location: 5p15.33.
Variant type: single nucleotide variant.
Coding change: c.2205C>A on transcript NM_198253.3 (MANE Select); coding-DNA position 2205, C replaced by A.
Protein change: p.Pro735=; no amino-acid change (proline 735 retained).
Molecular consequence: synonymous variant. On other transcripts: non-coding transcript variant (2).
Genome position (GRCh38, 1-based): chr5:1,278,722, G>T on the plus strand (C>A on the coding strand, the complement: TERT is on the minus strand). VCF-style: chr5-1278722-G-T. GRCh37 (hg19) VCF-style: chr5-1278837-G-T.
Other names: c.2205C>A, p.Pro735= (NM_001193376.3).
Identifiers: ClinVar variation 539243 (VCV000539243.27), dbSNP rs772650889, ClinGen allele CA3184626.

ClinVar aggregate classification (germline): Likely benign. Review status: criteria provided, multiple submitters, no conflicts (2 of 4 stars). 5 submissions from 5 submitters: Likely benign (5). Last evaluated 2025-12-10.

Conditions:
Dyskeratosis congenita. Identifiers: Orphanet 1775, MedGen C0265965, MONDO:0015780.
Idiopathic Pulmonary Fibrosis. Also called: Idiopathic fibrosing alveolitis, chronic form; idiopathic fibrosing alveolitis. Identifiers: Orphanet 2032, MedGen C1800706, MeSH D054990, MONDO:0800504.
Dyskeratosis congenita, autosomal dominant 2. Identifiers: MedGen C3151443, MONDO:0013521, OMIM 613989.

Allele frequency attached by ClinVar (database versions not stated): gnomAD exomes below 0.00001 and 0.00001; ExAC 0.00001; TOPMed 0.00001.
gnomAD v4.1: 7 of 1,614,182 alleles (0.00043%); highest among the groups gnomAD compares: East Asian, 0.0022%; no homozygotes.

Submissions (5):

Labcorp Genetics (formerly Invitae), Labcorp
Classification: Likely benign for Dyskeratosis congenita, autosomal dominant 2; Idiopathic Pulmonary Fibrosis. Last evaluated: 2025-12-10. Review status: criteria provided, single submitter. Criteria: Invitae Variant Classification Sherloc (09022015). Collection method: clinical testing. Allele origin: germline.

CeGaT Center for Human Genetics Tuebingen
Classification: Likely benign. Last evaluated: 2025-07-01. Review status: criteria provided, single submitter. Criteria: CeGaT Center For Human Genetics Tuebingen Variant Classification Criteria Version 2. Collection method: clinical testing. Allele origin: germline. Affected: yes. Observed: 1 variant allele.
Comment: TERT: BP4, BP7

Blueprint Genetics
Classification: Likely benign. Last evaluated: 2024-09-02. Review status: criteria provided, single submitter. Criteria: ACMG Guidelines, 2015. Collection method: clinical testing. Allele origin: germline.

Ambry Genetics
Classification: Likely benign for Dyskeratosis congenita. Last evaluated: 2022-03-16. Review status: criteria provided, single submitter. Criteria: Ambry Variant Classification Scheme 2023. Collection method: clinical testing. Allele origin: germline.

Genetic Services Laboratory, University of Chicago
Classification: Likely benign. Last evaluated: 2019-08-27. Review status: criteria provided, single submitter. Criteria: ACMG Guidelines, 2015. Collection method: clinical testing. Allele origin: germline. Affected: no.